The following is an entry in ClinVar:

NC_000023.10:g.(?_46719403)_(46719557_?)del

Gene: RP2 (RP2 activator of ARL3 GTPase; plus strand). Cytogenetic location: Xp11.23.
Variant type: Deletion.
Identifiers: ClinVar variation 2425663 (VCV002425663.4).

ClinVar aggregate classification (germline): Pathogenic (1 of 4 stars; one submission).

Submission:

Labcorp Genetics (formerly Invitae), Labcorp
Classification: Pathogenic. Last evaluated: 2022-09-22. Review status: criteria provided, single submitter. Criteria: Invitae Variant Classification Sherloc (09022015). Collection method: clinical testing. Allele origin: germline.
Comment: This variant is a gross deletion of the genomic region encompassing exon(s) 3 of the RP2 gene. This deletion is out-of-frame, and is expected to create a premature termination codon and result in an absent or disrupted protein product. Loss-of-function variants in RP2 are known to be pathogenic (PMID: 11992260, 20625056). A similar copy number variant has been observed in individual(s) with retinitis pigmentosa (PMID: 33576794). For these reasons, this variant has been classified as Pathogenic.

Literature cited by the submitters: PubMed 11992260; PubMed 20625056; PubMed 33576794.